The following is an entry in ClinVar:

NM_020937.4(FANCM):c.656C>A (p.Ala219Asp)

Gene: FANCM (FA complementation group M; plus strand). Cytogenetic location: 14q21.2.
Variant type: single nucleotide variant.
Coding change: c.656C>A on transcript NM_020937.4 (MANE Select); coding-DNA position 656, C replaced by A.
Protein change: p.Ala219Asp; replaces alanine 219 with aspartic acid.
Molecular consequence: missense variant.
Genome position (GRCh38, 1-based): chr14:45,137,216, C>A. VCF-style: chr14-45137216-C-A. GRCh37 (hg19) VCF-style: chr14-45606419-C-A.
Other names: c.656C>A, p.Ala219Asp (NM_001308133.2, NM_001308134.2); short protein forms A219D.
Identifiers: ClinVar variation 5021546 (VCV005021546.1).

ClinVar aggregate classification (germline): Uncertain significance (1 of 4 stars; one submission).

Conditions:
Inborn genetic diseases. Identifiers: MedGen C0950123, MeSH D030342.

Submission:

Ambry Genetics
Classification: Uncertain significance for Inborn genetic diseases. Last evaluated: 2026-09-09. Review status: criteria provided, single submitter. Criteria: Ambry Variant Classification Scheme 2023. Collection method: clinical testing. Allele origin: germline.
Comment: The p.A219D variant (also known as c.656C>A), located in coding exon 2 of the FANCM gene, results from a C to A substitution at nucleotide position 656. The alanine at codon 219 is replaced by aspartic acid, an amino acid with dissimilar properties. This amino acid position is conserved. In addition, this alteration is predicted to be deleterious by in silico analysis. Based on the available evidence, the clinical significance of this variant remains unclear.